The following is an entry in ClinVar:

NM_006206.6(PDGFRA):c.1174T>A (p.Tyr392Asn)

Gene: PDGFRA (platelet derived growth factor receptor alpha; plus strand). Cytogenetic location: 4q12.
Variant type: single nucleotide variant.
Coding change: c.1174T>A on transcript NM_006206.6 (MANE Select); coding-DNA position 1174, T replaced by A.
Protein change: p.Tyr392Asn; replaces tyrosine 392 with asparagine.
Molecular consequence: missense variant.
Genome position (GRCh38, 1-based): chr4:54,270,685, T>A. VCF-style: chr4-54270685-T-A. GRCh37 (hg19) VCF-style: chr4-55136852-T-A.
Other names: c.1174T>A, p.Tyr392Asn (NM_001347827.2, NM_001347829.2); c.1249T>A, p.Tyr417Asn (NM_001347828.2); c.1213T>A, p.Tyr405Asn (NM_001347830.2); short protein forms Y405N, Y417N, Y392N.
Identifiers: ClinVar variation 1740418 (VCV001740418.2), dbSNP rs2475471699, ClinGen allele CA356891978.

ClinVar aggregate classification (germline): Uncertain significance (1 of 4 stars; one submission).

Conditions:
Hereditary cancer-predisposing syndrome. Also called: Hereditary Cancer Syndrome; Hereditary neoplastic syndrome; Neoplastic Syndromes, Hereditary; Tumor predisposition. Identifiers: Orphanet 140162, MedGen C0027672, MeSH D009386, MONDO:0015356.

Submission:

Ambry Genetics
Classification: Uncertain significance for Hereditary cancer-predisposing syndrome. Last evaluated: 2021-11-21. Review status: criteria provided, single submitter. Criteria: Ambry Variant Classification Scheme 2023. Collection method: clinical testing. Allele origin: germline.
Comment: The p.Y392N variant (also known as c.1174T>A), located in coding exon 7 of the PDGFRA gene, results from a T to A substitution at nucleotide position 1174. The tyrosine at codon 392 is replaced by asparagine, an amino acid with dissimilar properties. This amino acid position is conserved. In addition, this alteration is predicted to be deleterious by in silico analysis. Since supporting evidence is limited at this time, the clinical significance of this alteration remains unclear.